The following is an entry in ClinVar:

ClinVar aggregate classification (germline): Uncertain significance (1 of 4 stars; one submission).

Conditions:
Myopathy, proximal, and ophthalmoplegia (CMYO6). Also called: MYOPATHY WITH CONGENITAL JOINT CONTRACTURES, OPHTHALMOPLEGIA, AND RIMMED VACUOLES; CONGENITAL MYOPATHY 6 WITH OPHTHALMOPLEGIA; INCLUSION BODY MYOPATHY 3, AUTOSOMAL DOMINANT. Identifiers: Orphanet 363677, Orphanet 79091, MedGen C1854106, MONDO:0011577, OMIM 605637.

Allele frequency attached by ClinVar (database versions not stated): gnomAD exomes below 0.00001; TOPMed below 0.00001; ExAC 0.00001; gnomAD 0.00001.
gnomAD v4.1: 7 of 1,614,054 alleles (0.00043%); highest among the groups gnomAD compares: East Asian, 0.0045%; no homozygotes.

Submission:

Labcorp Genetics (formerly Invitae), Labcorp
Classification: Uncertain significance for Myopathy, proximal, and ophthalmoplegia. Last evaluated: 2024-07-15. Review status: criteria provided, single submitter. Criteria: Invitae Variant Classification Sherloc (09022015). Collection method: clinical testing. Allele origin: germline.
Comment: This sequence change replaces aspartic acid, which is acidic and polar, with alanine, which is neutral and non-polar, at codon 758 of the MYH2 protein (p.Asp758Ala). This variant is present in population databases (rs758731503, gnomAD 0.01%). This variant has not been reported in the literature in individuals affected with MYH2-related conditions. ClinVar contains an entry for this variant (Variation ID: 1500915). Advanced modeling of protein sequence and biophysical properties (such as structural, functional, and spatial information, amino acid conservation, physicochemical variation, residue mobility, and thermodynamic stability) performed at Invitae indicates that this missense variant is expected to disrupt MYH2 protein function with a positive predictive value of 80%. In summary, the available evidence is currently insufficient to determine the role of this variant in disease. Therefore, it has been classified as a Variant of Uncertain Significance.

NM_017534.6(MYH2):c.2273A>C (p.Asp758Ala)

Genes: MYH2 (myosin heavy chain 2; minus strand), MYHAS (myosin heavy chain gene cluster antisense RNA; plus strand). Cytogenetic location: 17p13.1.
Variant type: single nucleotide variant.
Coding change: c.2273A>C on transcript NM_017534.6 (MANE Select); coding-DNA position 2273, A replaced by C.
Protein change: p.Asp758Ala; replaces aspartic acid 758 with alanine.
Molecular consequence: missense variant.
Genome position (GRCh38, 1-based): chr17:10,533,540, T>G on the plus strand (A>C on the coding strand, the complement: MYH2 is on the minus strand). VCF-style: chr17-10533540-T-G. GRCh37 (hg19) VCF-style: chr17-10436857-T-G.
Other names: c.2273A>C, p.Asp758Ala (NM_001100112.2); short protein forms D758A.
Identifiers: ClinVar variation 1500915 (VCV001500915.6), dbSNP rs758731503, ClinGen allele CA8391173.
Genomic context (GRCh38, chr17:10,533,540, plus strand): 5'-AGCATCAGGTAGGATTTACAGAAAATTACCTTGGTGTGCCCAAATTTATACTGGGTGTGG[T>G]CAATGTCGATGGATGCAAGGAGCTTCTCAGAGGCCTTCTTGCTATCAATGAATTGCCCTT-3'
Protein context (NP_060004.3, residues 748-768): SEKLLASIDI[Asp758Ala]HTQYKFGHTK